The following is an entry in ClinVar:

NM_001282531.3(ADNP):c.1142G>T (p.Gly381Val)

Gene: ADNP (activity dependent neuroprotector homeobox; minus strand). Cytogenetic location: 20q13.13.
Variant type: single nucleotide variant.
Coding change: c.1142G>T on transcript NM_001282531.3 (MANE Select); coding-DNA position 1142, G replaced by T.
Protein change: p.Gly381Val; replaces glycine 381 with valine.
Molecular consequence: missense variant.
Genome position (GRCh38, 1-based): chr20:50,893,572, C>A on the plus strand (G>T on the coding strand, the complement: ADNP is on the minus strand). VCF-style: chr20-50893572-C-A. GRCh37 (hg19) VCF-style: chr20-49510109-C-A.
Other names: c.1142G>T, p.Gly381Val (NM_001282532.2, NM_001347511.2, NM_015339.5 and 1 more transcripts); short protein forms G381V.
Identifiers: ClinVar variation 588833 (VCV000588833.5), dbSNP rs1014650398, ClinGen allele CA315257823.
Genomic context (GRCh38, chr20:50,893,572, plus strand): 5'-GAAGAGGCATTAGCAGACTGCAGGGAGTATCTTGCTGGTGCCTGGGACCTCTGCTCTGAC[C>A]CAAGCCCATAAGACCTTCCGTTTCCACTTGGAAGTAACTGCTTTACAGACTGAGATTGTT-3'
Protein context (NP_001269460.1, residues 371-391): PSGNGRSYGL[Gly381Val]SEQRSQAPAR

ClinVar aggregate classification (germline): Uncertain significance (1 of 4 stars; one submission).

Conditions:
Inborn genetic diseases. Identifiers: MedGen C0950123, MeSH D030342.

Submission:

Ambry Genetics
Classification: Uncertain significance for Inborn genetic diseases. Last evaluated: 2017-09-13. Review status: criteria provided, single submitter. Criteria: Ambry Variant Classification Scheme 2023. Collection method: clinical testing. Allele origin: germline.
Comment: The p.G381V variant (also known as c.1142G>T), located in coding exon 3 of the ADNP gene, results from a G to T substitution at nucleotide position 1142. The glycine at codon 381 is replaced by valine, an amino acid with dissimilar properties. This amino acid position is well conserved in available vertebrate species. In addition, this alteration is predicted to be deleterious by in silico analysis. Since supporting evidence is limited at this time, the clinical significance of this alteration remains unclear.